The following is an entry in ClinVar:

ClinVar aggregate classification (germline): Likely benign (1 of 4 stars; one submission).

Submission:

CeGaT Center for Human Genetics Tuebingen
Classification: Likely benign. Last evaluated: 2023-09-01. Review status: criteria provided, single submitter. Criteria: CeGaT Center For Human Genetics Tuebingen Variant Classification Criteria Version 2. Collection method: clinical testing. Allele origin: germline. Affected: yes. Observed: 2 variant alleles.
Comment: SELENOP: PM2:Supporting, BP4, BP7

NM_005410.4(SELENOP):c.45A>G (p.Pro15=)

Gene: SELENOP (selenoprotein P; minus strand). Cytogenetic location: 5p12.
Variant type: single nucleotide variant.
Coding change: c.45A>G on transcript NM_005410.4 (MANE Select); coding-DNA position 45, A replaced by G.
Protein change: p.Pro15=; no amino-acid change (proline 15 retained).
Molecular consequence: synonymous variant.
Genome position (GRCh38, 1-based): chr5:42,808,309, T>C on the plus strand (A>G on the coding strand, the complement: SELENOP is on the minus strand). VCF-style: chr5-42808309-T-C. GRCh37 (hg19) VCF-style: chr5-42808411-T-C.
Other names: c.45A>G, p.Pro15= (NM_001085486.3); c.135A>G, p.Pro45= (NM_001093726.3).
Identifiers: ClinVar variation 2655451 (VCV002655451.24), dbSNP rs2530922951, ClinGen allele CA443816143.
Genomic context (GRCh38, chr5:42,808,309, plus strand): 5'-GCTCCAGGCTGGGGGTTGCTTACATAAGGAGCTTTGGTCCTGGCTCTCTGTTCCTCCCGA[T>C]GGGAGGAGACAGAGAGCCAGGGCAAGCCCCAGGCTTCTCCACATTGCTGGGGTTGTCCTG-3'
Protein context (NP_005401.3, residues 5-25): LGLALALCLL[Pro15=]SGGTESQDQS